The following is an entry in ClinVar:

ClinVar aggregate classification (germline): Pathogenic/Likely pathogenic. Review status: criteria provided, multiple submitters, no conflicts (2 of 4 stars). 8 submissions from 7 submitters: Pathogenic (2); Likely pathogenic (4). 2 of the submissions do not count toward it. Last evaluated 2025-12-24.

Conditions:
Hereditary cancer-predisposing syndrome. Also called: Tumor predisposition; Neoplastic Syndromes, Hereditary; Hereditary neoplastic syndrome; Hereditary Cancer Syndrome. Identifiers: Orphanet 140162, MedGen C0027672, MeSH D009386, MONDO:0015356.
Fanconi anemia complementation group J. Also called: BRIP1-Related Fanconi Anemia. Identifiers: Orphanet 84, MedGen C1836860, MONDO:0012187, OMIM 609054.
Familial cancer of breast. Also called: hereditary breast carcinoma; BREAST CANCER, FAMILIAL; Hereditary breast cancer. Identifiers: Orphanet 227535, MedGen C0346153, MONDO:0016419, OMIM 114480. Disease mechanism: loss of function.
Ovarian cancer. Also called: OVARIAN CANCER, SOMATIC. Identifiers: Orphanet 213500, MedGen C1140680, MONDO:0008170, OMIM 167000.

Submissions (8):

Dasa
Classification: Likely pathogenic. Last evaluated: 2025-12-24. Review status: criteria provided, single submitter. Criteria: DASA Assertion Criteria. Collection method: clinical testing. Allele origin: germline.
Comment: NM_032043.3(BRIP1):c.205+1del affects a canonical splice site and is predicted to disrupt normal RNA splicing. Loss of function is an established disease mechanism for BRIP1 (PMID: 29368626; PMID: 26720728; PMID: 26315354). Also, this variant is rare in population databases. Based on the currently available evidence, this variant is classified as likely pathogenic.

Labcorp Genetics (formerly Invitae), Labcorp
Classification: Pathogenic for Familial cancer of breast; Fanconi anemia complementation group J. Last evaluated: 2025-07-14. Review status: criteria provided, single submitter. Criteria: Invitae Variant Classification Sherloc (09022015). Collection method: clinical testing. Allele origin: germline.
Comment: This sequence change creates a premature translational stop signal (p.Lys70Asnfs*7) in the BRIP1 gene. It is expected to result in an absent or disrupted protein product. Loss-of-function variants in BRIP1 are known to be pathogenic (PMID: 16116423, 17033622, 21964575). This variant is not present in population databases (gnomAD no frequency). This premature translational stop signal has been observed in individual(s) with breast cancer and/or ovarian cancer (PMID: 28888541, 35264596). This variant is also known as c.205+1del and c.205+1delG. ClinVar contains an entry for this variant (Variation ID: 372101). RNA analysis performed to evaluate the impact of this premature translational stop signal on mRNA splicing indicates it does not significantly alter splicing (internal data). For these reasons, this variant has been classified as Pathogenic.

Ambry Genetics
Classification: Pathogenic for Hereditary cancer-predisposing syndrome. Last evaluated: 2024-04-02. Review status: criteria provided, single submitter. Criteria: Ambry Variant Classification Scheme 2023. Collection method: clinical testing. Allele origin: germline.
Comment: The c.205+1delG intronic pathogenic mutation, located in intron 2 of the BRIP1 gene, results from a deletion of one nucleotide within intron 2 of the BRIP1 gene. This variant is considered to be rare based on population cohorts in the Genome Aggregation Database (gnomAD). Alterations that disrupt the canonical splice site are expected to cause aberrant splicing, resulting in an abnormal protein or a transcript that is subject to nonsense-mediated mRNA decay. RNA studies have demonstrated that this alteration results in abnormal splicing in the set of samples tested (Ambry internal data). As such, this alteration is interpreted as a disease-causing mutation.

Myriad Genetics, Inc.
Classification: Likely pathogenic for Familial cancer of breast. Last evaluated: 2023-02-27. Review status: criteria provided, single submitter. Criteria: Myriad Autosomal Dominant, Autosomal Recessive and X-Linked Classification Criteria (2023). Collection method: clinical testing. Allele origin: unknown.
Comment: This variant is considered likely pathogenic. This variant occurs within a consensus splice junction and is predicted to result in abnormal mRNA splicing of either an out-of-frame exon or an in-frame exon necessary for protein stability and/or normal function.

Color Diagnostics, LLC DBA Color Health
Classification: Likely pathogenic for Hereditary cancer-predisposing syndrome. Last evaluated: 2021-04-20. Review status: criteria provided, single submitter. Criteria: ACMG Guidelines, 2015. Collection method: clinical testing. Allele origin: germline.
Comment: This variant causes 1 nucleotide deletion at +1 position in intron 3 of the BRIP1 gene. Splice site prediction tools predict that this variant may have a significant impact on RNA splicing. Although this prediction has not been confirmed in published RNA studies, this variant is expected to result in an absent or disrupted protein product. To our knowledge, this variant has not been reported in individuals affected with hereditary cancer in the literature. This variant has not been identified in the general population by the Genome Aggregation Database (gnomAD). Loss of BRIP1 function is a known mechanism of disease. Based on the available evidence, this variant is classified as Likely Pathogenic.

Mendelics
Classification: Likely pathogenic for Familial cancer of breast. Last evaluated: 2019-05-28. Review status: criteria provided, single submitter. Criteria: Mendelics Assertion Criteria 2017. Collection method: clinical testing. Allele origin: unknown.

Counsyl
Classification: Likely pathogenic for Fanconi anemia complementation group J. Last evaluated: 2016-11-09. Review status: no assertion criteria provided. Collection method: clinical testing. Allele origin: unknown. Not counted in ClinVar's aggregate classification.

Counsyl
Classification: Likely pathogenic for Ovarian cancer. Last evaluated: 2016-11-09. Review status: no assertion criteria provided. Collection method: clinical testing. Allele origin: unknown. Not counted in ClinVar's aggregate classification.

Literature cited by the submitters: PubMed 29368626 (cited by Dasa); PubMed 26720728 (cited by Dasa); PubMed 26315354 (cited by Dasa); PubMed 16116423 (cited by Labcorp Genetics (formerly Invitae), Labcorp); PubMed 17033622 (cited by Labcorp Genetics (formerly Invitae), Labcorp); PubMed 21964575 (cited by Labcorp Genetics (formerly Invitae), Labcorp); PubMed 28888541 (cited by Labcorp Genetics (formerly Invitae), Labcorp); PubMed 35264596 (cited by Labcorp Genetics (formerly Invitae), Labcorp).

NM_032043.3(BRIP1):c.205+1del

Gene: BRIP1 (BRCA1 interacting DNA helicase 1; minus strand). Cytogenetic location: 17q23.2.
Variant type: Deletion.
Coding change: c.205+1del on transcript NM_032043.3 (MANE Select); the canonical splice donor site of the intron after coding-DNA position 205, one base deleted (G; older notation c.205+1delG).
Molecular consequence: splice donor variant.
Genome position (GRCh38, 1-based): chr17:61,859,795, C deleted on the plus strand (G on the coding strand, the reverse complement: BRIP1 is on the minus strand); the first of 2 consecutive C bases (chr17:61,859,795-61,859,796); deleting either gives the same sequence. VCF-style (leftmost placement, unchanged base first): chr17-61859794-AC-A. GRCh37 (hg19) VCF-style: chr17-59937155-AC-A.
Other names: c.205+1delG (NM_032043.2).
Identifiers: ClinVar variation 372101 (VCV000372101.26), dbSNP rs1057517648, ClinGen allele CA16042176.
Genomic context (GRCh38, chr17:61,859,794, plus strand): 5'-ATACTGTATTATATTTTCTCAGATCCCAGTAAGTAACCTGAAGATATCAAGCAACTACTT[AC>A]CACTAAGAGATTGTTGCCATGCTAAAGCAGAACAAAGTAAGGCTAAGCTTTTTCCACTTC-3'